The following is an entry in ClinVar:

ClinVar aggregate classification (germline): Likely pathogenic (1 of 4 stars; one submission).

Conditions:
Atypical hemolytic-uremic syndrome. Identifiers: Orphanet 2134, MedGen C2931788, MONDO:0016244.

gnomAD v4.1: 1 of 1,613,796 alleles (0.000062%); highest among the groups gnomAD compares: Non-Finnish European, 0.000085%; no homozygotes.

Submission:

Genomenon, Inc
Classification: Likely pathogenic for Atypical hemolytic-uremic syndrome. Last evaluated: 2026-09-17. Review status: criteria provided, single submitter. Criteria: Genomenon Sequence Variant Interpretation Standards - Updated. Collection method: curation. Allele origin: germline. Affected: yes.
Comment: CFH p.Arg53Ser (c.157C>A) is a missense variant that changes the amino acid at codon 53 from arginine to serine. This variant has been observed in at least one proband affected with atypical hemolytic-uremic syndrome (PMID: 28941939; 28911789). At least one functional study has demonstrated a substantial alteration in protein function relative to the wild-type (PMID: 28941939). It is absent or not present at a significant frequency in gnomAD. In conclusion, we classify CFH p.Arg53Ser (c.157C>A) as a likely pathogenic variant.

Literature cited by the submitters: PubMed 28941939; PubMed 28911789.

NM_000186.4(CFH):c.157C>A (p.Arg53Ser)

Gene: CFH (complement factor H; plus strand). Cytogenetic location: 1q31.3.
Variant type: single nucleotide variant.
Coding change: c.157C>A on transcript NM_000186.4 (MANE Select); coding-DNA position 157, C replaced by A.
Protein change: p.Arg53Ser; replaces arginine 53 with serine.
Molecular consequence: missense variant.
Genome position (GRCh38, 1-based): chr1:196,673,076, C>A. VCF-style: chr1-196673076-C-A. GRCh37 (hg19) VCF-style: chr1-196642206-C-A.
Other names: c.157C>A, p.Arg53Ser (NM_001014975.3); short protein forms R53S.
Identifiers: ClinVar variation 4291433 (VCV004291433.2).